The following is an entry in ClinVar:

ClinVar aggregate classification (germline): Uncertain significance (1 of 4 stars; one submission).

Conditions:
Hereditary cancer-predisposing syndrome. Also called: Neoplastic Syndromes, Hereditary; Tumor predisposition; Hereditary Cancer Syndrome; Hereditary neoplastic syndrome. Identifiers: Orphanet 140162, MedGen C0027672, MeSH D009386, MONDO:0015356.

Submission:

Ambry Genetics
Classification: Uncertain significance for Hereditary cancer-predisposing syndrome. Last evaluated: 2025-12-09. Review status: criteria provided, single submitter. Criteria: Ambry Variant Classification Scheme 2023. Collection method: clinical testing. Allele origin: germline.
Comment: The p.R473S variant (also known as c.1419G>T), located in coding exon 9 of the RAD50 gene, results from a G to T substitution at nucleotide position 1419. The arginine at codon 473 is replaced by serine, an amino acid with dissimilar properties. This amino acid position is conserved. In addition, this alteration is predicted to be tolerated by in silico analysis. Based on the available evidence, the clinical significance of this variant remains unclear.

NM_005732.4(RAD50):c.1419G>T (p.Arg473Ser)

Gene: RAD50 (RAD50 double strand break repair protein; plus strand). Cytogenetic location: 5q31.1.
Variant type: single nucleotide variant.
Coding change: c.1419G>T on transcript NM_005732.4 (MANE Select); coding-DNA position 1419, G replaced by T.
Protein change: p.Arg473Ser; replaces arginine 473 with serine.
Molecular consequence: missense variant.
Genome position (GRCh38, 1-based): chr5:132,589,804, G>T. VCF-style: chr5-132589804-G-T. GRCh37 (hg19) VCF-style: chr5-131925496-G-T.
Other names: short protein forms R473S.
Identifiers: ClinVar variation 4678247 (VCV004678247.1).